The following is an entry in ClinVar:

ClinVar aggregate classification (germline): Uncertain significance (1 of 4 stars; one submission).

Allele frequency attached by ClinVar (database versions not stated): gnomAD exomes 0.00003; gnomAD 0.00001; TOPMed 0.00001; ESP Exome Variant Server 0.00008; ExAC 0.00001.

Submission:

Labcorp Genetics (formerly Invitae), Labcorp
Classification: Uncertain significance. Last evaluated: 2023-04-24. Review status: criteria provided, single submitter. Criteria: Invitae Variant Classification Sherloc (09022015). Collection method: clinical testing. Allele origin: germline.
Comment: In summary, the available evidence is currently insufficient to determine the role of this variant in disease. Therefore, it has been classified as a Variant of Uncertain Significance. ClinVar contains an entry for this variant (Variation ID: 2189059). This variant has not been reported in the literature in individuals affected with DHX32-related conditions. This variant is present in population databases (rs756734047, gnomAD 0.005%). This sequence change creates a premature translational stop signal (p.Leu652Valfs*17) in the DHX32 gene. It is expected to result in an absent or disrupted protein product. However, the current clinical and genetic evidence is not sufficient to establish whether loss-of-function variants in DHX32 cause disease.

NM_018180.3(DHX32):c.1954_1955del (p.Leu652fs)

Genes: BCCIP (BRCA2 and CDKN1A interacting protein; plus strand), DHX32 (DEAH-box helicase 32 (putative); minus strand). Cytogenetic location: 10q26.2.
Variant type: Deletion.
Coding change: c.1954_1955del on transcript NM_018180.3 (MANE Select); coding-DNA positions 1954 to 1955, 2 bases deleted (CT; older notation c.1954_1955delCT).
Protein change: p.Leu652fs; shifts the reading frame from leucine 652.
Molecular consequence: frameshift variant. On other transcripts: intron variant (2).
Genome position (GRCh38, 1-based): chr10:125,838,314-125,838,315, AG deleted on the plus strand (CT on the coding strand, the reverse complement: DHX32 is on the minus strand). VCF-style (leftmost placement, unchanged base first): chr10-125838313-CAG-C. GRCh37 (hg19) VCF-style: chr10-127526882-CAG-C.
Other names: c.775-2941_775-2940del (NM_016567.4, NM_078469.3); short protein forms L652fs.
Identifiers: ClinVar variation 2189059 (VCV002189059.3), dbSNP rs756734047, ClinGen allele CA5738999.
Genomic context (GRCh38, chr10:125,838,313, plus strand): 5'-AATGCTGAATTTATGGAAGAGGACCCACTCTGGCATCTTCTTGGTGATTGAGTAACCAGA[CAG>C]GGGATGCAGCTGAGCAACCTGCTTATGTGTCAGCATTAAGTAGTTACCTGATCCATCAAC-3'